The following is an entry in ClinVar:

ClinVar aggregate classification (germline): Uncertain significance (1 of 4 stars; one submission).

Submission:

Labcorp Genetics (formerly Invitae), Labcorp
Classification: Uncertain significance. Last evaluated: 2021-08-31. Review status: criteria provided, single submitter. Criteria: Invitae Variant Classification Sherloc (09022015). Collection method: clinical testing. Allele origin: germline.
Comment: In summary, the available evidence is currently insufficient to determine the role of this variant in disease. Therefore, it has been classified as a Variant of Uncertain Significance. Algorithms developed to predict the effect of sequence changes on RNA splicing suggest that this variant may create or strengthen a splice site. Advanced modeling of protein sequence and biophysical properties (such as structural, functional, and spatial information, amino acid conservation, physicochemical variation, residue mobility, and thermodynamic stability) performed at Invitae indicates that this missense variant is expected to disrupt PNPT1 protein function. This variant has not been reported in the literature in individuals affected with PNPT1-related conditions. This variant is not present in population databases (ExAC no frequency). This sequence change replaces serine with cysteine at codon 484 of the PNPT1 protein (p.Ser484Cys). The serine residue is highly conserved and there is a moderate physicochemical difference between serine and cysteine.

NM_033109.5(PNPT1):c.1451C>G (p.Ser484Cys)

Gene: PNPT1 (polyribonucleotide nucleotidyltransferase 1; minus strand). Cytogenetic location: 2p16.1.
Variant type: single nucleotide variant.
Coding change: c.1451C>G on transcript NM_033109.5 (MANE Select); coding-DNA position 1451, C replaced by G.
Protein change: p.Ser484Cys; replaces serine 484 with cysteine.
Molecular consequence: missense variant.
Genome position (GRCh38, 1-based): chr2:55,654,944, G>C on the plus strand (C>G on the coding strand, the complement: PNPT1 is on the minus strand). VCF-style: chr2-55654944-G-C. GRCh37 (hg19) VCF-style: chr2-55882079-G-C.
Other names: short protein forms S484C.
Identifiers: ClinVar variation 1502299 (VCV001502299.6), dbSNP rs780143188, ClinGen allele CA47654842.